The following is an entry in ClinVar:

ClinVar aggregate classification (germline): Uncertain significance (1 of 4 stars; one submission).

Conditions:
Achondrogenesis, type IA (ACG1A). Identifiers: Orphanet 932, Orphanet 93299, MedGen C0265273, MONDO:0008701, OMIM 200600.

Allele frequency attached by ClinVar (database versions not stated): TOPMed 0.00001; gnomAD 0.00002.

Submission:

Labcorp Genetics (formerly Invitae), Labcorp
Classification: Uncertain significance for Achondrogenesis, type IA. Last evaluated: 2021-09-24. Review status: criteria provided, single submitter. Criteria: Invitae Variant Classification Sherloc (09022015). Collection method: clinical testing. Allele origin: germline.
Comment: This sequence change replaces glutamine with histidine at codon 1564 of the TRIP11 protein (p.Gln1564His). The glutamine residue is highly conserved and there is a small physicochemical difference between glutamine and histidine. This variant is present in population databases (rs764446226, ExAC 0.01%). This variant has not been reported in the literature in individuals with TRIP11-related conditions. Algorithms developed to predict the effect of missense changes on protein structure and function are either unavailable or do not agree on the potential impact of this missense change (SIFT: "Not Available"; PolyPhen-2: "Probably Damaging"; Align-GVGD: "Not Available"). In summary, the available evidence is currently insufficient to determine the role of this variant in disease. Therefore, it has been classified as a Variant of Uncertain Significance.

NM_004239.4(TRIP11):c.4692G>C (p.Gln1564His)

Gene: TRIP11 (thyroid hormone receptor interactor 11; minus strand). Cytogenetic location: 14q32.12.
Variant type: single nucleotide variant.
Coding change: c.4692G>C on transcript NM_004239.4 (MANE Select); coding-DNA position 4692, G replaced by C.
Protein change: p.Gln1564His; replaces glutamine 1564 with histidine.
Molecular consequence: missense variant.
Genome position (GRCh38, 1-based): chr14:91,999,974, C>G on the plus strand (G>C on the coding strand, the complement: TRIP11 is on the minus strand). VCF-style: chr14-91999974-C-G. GRCh37 (hg19) VCF-style: chr14-92466318-C-G.
Other names: c.4689G>C, p.Gln1563His (NM_001321851.1); short protein forms Q1564H, Q1563H.
Identifiers: ClinVar variation 1446452 (VCV001446452.5), dbSNP rs764446226, ClinGen allele CA7313396.